The following is an entry in ClinVar:

NM_000492.4(CFTR):c.583C>T (p.Leu195Phe)

Gene: CFTR (CF transmembrane conductance regulator; plus strand). Cytogenetic location: 7q31.2.
Variant type: single nucleotide variant.
Coding change: c.583C>T on transcript NM_000492.4 (MANE Select); coding-DNA position 583, C replaced by T.
Protein change: p.Leu195Phe; replaces leucine 195 with phenylalanine.
Molecular consequence: missense variant.
Genome position (GRCh38, 1-based): chr7:117,535,251, C>T. VCF-style: chr7-117535251-C-T. GRCh37 (hg19) VCF-style: chr7-117175305-C-T.
Other names: short protein forms L195F.
Identifiers: ClinVar variation 3766694 (VCV003766694.1).

ClinVar aggregate classification (germline): Uncertain significance (1 of 4 stars; one submission).

Submission:

ARUP Laboratories, Molecular Genetics and Genomics, ARUP Laboratories
Classification: Uncertain significance. Last evaluated: 2024-07-03. Review status: criteria provided, single submitter. Criteria: ARUP Molecular Germline Variant Investigation Process 2024. Collection method: clinical testing. Allele origin: germline.
Comment: The CFTR c.583C>T; p.Leu195Phe variant, to our knowledge, is not reported in the medical literature or gene specific databases. This variant is also absent from the Genome Aggregation Database (v2.1.1), indicating it is not a common polymorphism. Computational analyses predict that this variant is deleterious (REVEL: 0.707). However, given the lack of clinical and functional data, the significance of this variant is uncertain at this time.